The following is an entry in ClinVar:

NM_000060.4:c.118_119del

Variant type: Deletion.
Other names: c.118_119del (NM_000060.4).
Identifiers: ClinVar variation 4815939 (VCV004815939.1).

ClinVar aggregate classification (germline): Likely pathogenic (1 of 4 stars; one submission).

Conditions:
Biotinidase deficiency. Also called: BTD deficiency; Late-onset biotin-responsive multiple carboxylase deficiency; Biotin deficiency. Identifiers: Orphanet 79241, MedGen C0220754, MONDO:0009665, OMIM 253260.

Submission:

Natera, Inc.
Classification: Likely pathogenic for Biotinidase deficiency. Last evaluated: 2024-09-04. Review status: criteria provided, single submitter. Criteria: Natera Variant Classification Schema (03/2026). Collection method: clinical testing. Allele origin: germline.
Comment: The c.118_119del variant in BTD is a frameshift variant predicted to shift the reading frame beginning at codon 40 and leads to a stop codon 11 codons downstream. This variant is expected to result in nonsense mediated decay, truncation, or a dysfunctional protein product. This variant is rare in the general population with a frequency below the threshold expected for the associated phenotype(s). Given the available evidence, this variant is classified as Likely Pathogenic.